The following is an entry in ClinVar:

NM_005006.7(NDUFS1):c.339-20_339-19del

Gene: NDUFS1 (NADH:ubiquinone oxidoreductase core subunit S1; minus strand). Cytogenetic location: 2q33.3.
Variant type: Microsatellite.
Coding change: c.339-20_339-19del on transcript NM_005006.7 (MANE Select); 20 bases into the intron before coding-DNA position 339 through 19 bases into the intron before coding-DNA position 339, 2 bases deleted (AT; older notation c.339-20_339-19delAT).
Molecular consequence: intron variant.
Genome position (GRCh38, 1-based): chr2:206,147,853-206,147,854, AT deleted on the plus strand (AT on the coding strand, the reverse complement: NDUFS1 is on the minus strand); deleting any 2 consecutive bases within chr2:206,147,853-206,147,857 gives the same sequence; the c. name uses the placement nearest the transcript's 3' end. VCF-style (leftmost placement, unchanged base first): chr2-206147852-CAT-C. GRCh37 (hg19) VCF-style: chr2-207012576-CAT-C.
Other names: c.339-20_339-19delAT (NM_005006.5); c.6-20_6-19del (NM_001199982.2); c.168-20_168-19del (NM_001199983.2); c.231-20_231-19del (NM_001199981.2); c.381-20_381-19del (NM_001199984.2).
Identifiers: ClinVar variation 418377 (VCV000418377.10), dbSNP rs111667100, ClinGen allele CA2070802.

ClinVar aggregate classification (germline): Benign/Likely benign. Review status: criteria provided, multiple submitters, no conflicts (2 of 4 stars). 3 submissions from 3 submitters: Benign (2); Likely benign (1). Last evaluated 2026-01-12.

Submissions (3):

Labcorp Genetics (formerly Invitae), Labcorp
Classification: Benign. Last evaluated: 2026-01-12. Review status: criteria provided, single submitter. Criteria: Invitae Variant Classification Sherloc (09022015). Collection method: clinical testing. Allele origin: germline.

Blueprint Genetics
Classification: Likely benign. Last evaluated: 2024-09-12. Review status: criteria provided, single submitter. Criteria: ACMG Guidelines, 2015. Collection method: clinical testing. Allele origin: germline.

GeneDx
Classification: Benign. Last evaluated: 2015-04-09. Review status: criteria provided, single submitter. Criteria: GeneDx Variant Classification (06012015). Collection method: clinical testing. Allele origin: germline. Affected: yes.
Comment: This variant is considered likely benign or benign based on one or more of the following criteria: it is a conservative change, it occurs at a poorly conserved position in the protein, it is predicted to be benign by multiple in silico algorithms, and/or has population frequency not consistent with disease.